The following is an entry in ClinVar:

NM_014319.5(LEMD3):c.1391C>T (p.Pro464Leu)

Gene: LEMD3 (LEM domain containing 3; plus strand). Cytogenetic location: 12q14.3.
Variant type: single nucleotide variant.
Coding change: c.1391C>T on transcript NM_014319.5 (MANE Select); coding-DNA position 1391, C replaced by T.
Protein change: p.Pro464Leu; replaces proline 464 with leucine.
Molecular consequence: missense variant.
Genome position (GRCh38, 1-based): chr12:65,170,987, C>T. VCF-style: chr12-65170987-C-T. GRCh37 (hg19) VCF-style: chr12-65564767-C-T.
Other names: c.1391C>T, p.Pro464Leu (NM_001167614.2); c.1391C>T (NM_014319.4); short protein forms P464L.
Identifiers: ClinVar variation 2069507 (VCV002069507.5), dbSNP rs1277596817, ClinGen allele CA385676275.

ClinVar aggregate classification (germline): Uncertain significance. Review status: criteria provided, multiple submitters, no conflicts (2 of 4 stars). 2 submissions from 2 submitters: Uncertain significance (2). Last evaluated 2024-11-11.

Conditions:
Inborn genetic diseases. Identifiers: MedGen C0950123, MeSH D030342.

Allele frequency attached by ClinVar (database versions not stated): TOPMed below 0.00001; gnomAD 0.00001.
gnomAD v4.1: 1 of 1,614,082 alleles (0.000062%); highest among the groups gnomAD compares: Non-Finnish European, 0.000085%; no homozygotes.

Submissions (2):

Ambry Genetics
Classification: Uncertain significance for Inborn genetic diseases. Last evaluated: 2024-11-11. Review status: criteria provided, single submitter. Criteria: Ambry Variant Classification Scheme 2023. Collection method: clinical testing. Allele origin: germline.

Labcorp Genetics (formerly Invitae), Labcorp
Classification: Uncertain significance. Last evaluated: 2022-01-01. Review status: criteria provided, single submitter. Criteria: Invitae Variant Classification Sherloc (09022015). Collection method: clinical testing. Allele origin: germline.
Comment: In summary, the available evidence is currently insufficient to determine the role of this variant in disease. Therefore, it has been classified as a Variant of Uncertain Significance. Algorithms developed to predict the effect of missense changes on protein structure and function output the following: SIFT: "Tolerated"; PolyPhen-2: "Benign"; Align-GVGD: "Class C0". The leucine amino acid residue is found in multiple mammalian species, which suggests that this missense change does not adversely affect protein function. This variant has not been reported in the literature in individuals affected with LEMD3-related conditions. This variant is not present in population databases (gnomAD no frequency). This sequence change replaces proline, which is neutral and non-polar, with leucine, which is neutral and non-polar, at codon 464 of the LEMD3 protein (p.Pro464Leu).